The following is an entry in ClinVar:

ClinVar aggregate classification (germline): Uncertain significance. Review status: criteria provided, multiple submitters, no conflicts (2 of 4 stars). 2 submissions from 2 submitters: Uncertain significance (2). Last evaluated 2024-06-11.

Conditions:
Brugada syndrome 8 (BRGDA8). Identifiers: Orphanet 130, MedGen C2751083, MONDO:0013148, OMIM 613123.

Submissions (2):

GeneDx
Classification: Uncertain significance. Last evaluated: 2024-06-11. Review status: criteria provided, single submitter. Criteria: GeneDx Variant Classification Process June 2021. Collection method: clinical testing. Allele origin: germline. Affected: yes.
Comment: Not observed at significant frequency in large population cohorts (gnomAD); In silico analysis supports that this missense variant has a deleterious effect on protein structure/function; Has not been previously published as pathogenic or benign to our knowledge

Labcorp Genetics (formerly Invitae), Labcorp
Classification: Uncertain significance for Brugada syndrome 8. Last evaluated: 2018-02-07. Review status: criteria provided, single submitter. Criteria: Invitae Variant Classification Sherloc (09022015). Collection method: clinical testing. Allele origin: germline.
Comment: In summary, the available evidence is currently insufficient to determine the role of this variant in disease. Therefore, it has been classified as a Variant of Uncertain Significance. Algorithms developed to predict the effect of missense changes on protein structure and function (SIFT, PolyPhen-2, Align-GVGD) all suggest that this variant is likely to be disruptive, but these predictions have not been confirmed by published functional studies and their clinical significance is uncertain. This variant has not been reported in the literature in individuals with HCN4-related disease. This variant is not present in population databases (ExAC no frequency). This sequence change replaces serine with arginine at codon 498 of the HCN4 protein (p.Ser498Arg). The serine residue is highly conserved and there is a moderate physicochemical difference between serine and arginine.

NM_005477.3(HCN4):c.1494C>G (p.Ser498Arg)

Gene: HCN4 (hyperpolarization activated cyclic nucleotide gated potassium channel 4; minus strand). Cytogenetic location: 15q24.1.
Variant type: single nucleotide variant.
Coding change: c.1494C>G on transcript NM_005477.3 (MANE Select); coding-DNA position 1494, C replaced by G.
Protein change: p.Ser498Arg; replaces serine 498 with arginine.
Molecular consequence: missense variant.
Genome position (GRCh38, 1-based): chr15:73,329,669, G>C on the plus strand (C>G on the coding strand, the complement: HCN4 is on the minus strand). VCF-style: chr15-73329669-G-C. GRCh37 (hg19) VCF-style: chr15-73622010-G-C.
Other names: short protein forms S498R.
Identifiers: ClinVar variation 569896 (VCV000569896.9), dbSNP rs1567774949, ClinGen allele CA393093749.
Genomic context (GRCh38, chr15:73,329,669, plus strand): 5'-CTGGATGAGGGCAGTGGCGTGGCCAATGAACATGGCGTAGCAGGTGGCACCCACGATCAT[G>C]CTGAGCATGGTGAGCCAGACGTCGGACATGCCCACGGGCGCCTGCCGCCCGTAGCCGATG-3'
Protein context (NP_005468.1, residues 488-508): GMSDVWLTML[Ser498Arg]MIVGATCYAM